The following is an entry in ClinVar:

NM_177438.3(DICER1):c.2747A>C (p.Lys916Thr)

Gene: DICER1 (dicer 1, ribonuclease III; minus strand). Cytogenetic location: 14q32.13.
Variant type: single nucleotide variant.
Coding change: c.2747A>C on transcript NM_177438.3 (MANE Select); coding-DNA position 2747, A replaced by C.
Protein change: p.Lys916Thr; replaces lysine 916 with threonine.
Molecular consequence: missense variant.
Genome position (GRCh38, 1-based): chr14:95,107,665, T>G on the plus strand (A>C on the coding strand, the complement: DICER1 is on the minus strand). VCF-style: chr14-95107665-T-G. GRCh37 (hg19) VCF-style: chr14-95574002-T-G.
Other names: c.2747A>C, p.Lys916Thr (NM_001195573.1, NM_001271282.3, NM_001291628.2 and 1 more transcripts); short protein forms K916T.
Identifiers: ClinVar variation 843390 (VCV000843390.11), dbSNP rs747825442, ClinGen allele CA7331186.

ClinVar aggregate classification (germline): Uncertain significance. Review status: criteria provided, multiple submitters, no conflicts (2 of 4 stars). 3 submissions from 3 submitters: Uncertain significance (3). Last evaluated 2025-10-21.

Conditions:
DICER1-related tumor predisposition. Also called: DICER1 syndrome; DICER1-related pleuropulmonary blastoma cancer predisposition syndrome. Identifiers: Orphanet 284343, MedGen C3839822, MONDO:0100216.
Hereditary cancer-predisposing syndrome. Also called: Neoplastic Syndromes, Hereditary; Hereditary neoplastic syndrome; Tumor predisposition; Hereditary Cancer Syndrome. Identifiers: Orphanet 140162, MedGen C0027672, MeSH D009386, MONDO:0015356.

Allele frequency attached by ClinVar (database versions not stated): gnomAD exomes 0.00001; ExAC 0.00002.
gnomAD v4.1: 11 of 1,613,500 alleles (0.00068%); highest among the groups gnomAD compares: South Asian, 0.011%; no homozygotes.

Submissions (3):

Labcorp Genetics (formerly Invitae), Labcorp
Classification: Uncertain significance for DICER1-related tumor predisposition. Last evaluated: 2025-10-21. Review status: criteria provided, single submitter. Criteria: Invitae Variant Classification Sherloc (09022015). Collection method: clinical testing. Allele origin: germline.
Comment: This sequence change replaces lysine, which is basic and polar, with threonine, which is neutral and polar, at codon 916 of the DICER1 protein (p.Lys916Thr). This variant is present in population databases (rs747825442, gnomAD 0.003%). This variant has not been reported in the literature in individuals affected with DICER1-related conditions. ClinVar contains an entry for this variant (Variation ID: 843390). Invitae Evidence Modeling of protein sequence and biophysical properties (such as structural, functional, and spatial information, amino acid conservation, physicochemical variation, residue mobility, and thermodynamic stability) indicates that this missense variant is not expected to disrupt DICER1 protein function with a negative predictive value of 95%. In summary, the available evidence is currently insufficient to determine the role of this variant in disease. Therefore, it has been classified as a Variant of Uncertain Significance.

Sema4
Classification: Uncertain significance for Hereditary cancer-predisposing syndrome. Last evaluated: 2022-02-15. Review status: criteria provided, single submitter. Criteria: Sema4 Curation Guidelines. Collection method: curation. Allele origin: germline.
Comment: To the best of our knowledge, the DICER1 c.2747A>C (p.K916T) variant has not been reported in individuals with DICER1-related disease. It was observed in 2/30612 chromosomes of the South Asian subpopulation in the large and broad cohorts of the Genome Aggregation Database (PMID: 32461654). The variant has been reported in ClinVar (Variation ID 843390). Functional studies have not been performed, and in silico predictions of the variant's effect on protein function are inconclusive. The evidence is insufficient to meet ACMG/AMP criteria for classifying the variant as benign or pathogenic. Thus, the clinical significance of this variant is currently uncertain.

Ambry Genetics
Classification: Uncertain significance for Hereditary cancer-predisposing syndrome. Last evaluated: 2021-03-03. Review status: criteria provided, single submitter. Criteria: Ambry Variant Classification Scheme 2023. Collection method: clinical testing. Allele origin: germline.
Comment: The p.K916T variant (also known as c.2747A>C), located in coding exon 16 of the DICER1 gene, results from an A to C substitution at nucleotide position 2747. The lysine at codon 916 is replaced by threonine, an amino acid with similar properties. This amino acid position is not well conserved in available vertebrate species. In addition, this alteration is predicted to be tolerated by in silico analysis. Since supporting evidence is limited at this time, the clinical significance of this alteration remains unclear.